The following is an entry in ClinVar:

NM_182931.3(KMT2E):c.2513C>T (p.Pro838Leu)

Gene: KMT2E (lysine methyltransferase 2E (inactive); plus strand). Cytogenetic location: 7q22.3.
Variant type: single nucleotide variant.
Coding change: c.2513C>T on transcript NM_182931.3 (MANE Select); coding-DNA position 2513, C replaced by T.
Protein change: p.Pro838Leu; replaces proline 838 with leucine.
Molecular consequence: missense variant.
Genome position (GRCh38, 1-based): chr7:105,105,920, C>T. VCF-style: chr7-105105920-C-T. GRCh37 (hg19) VCF-style: chr7-104746367-C-T.
Other names: c.2513C>T, p.Pro838Leu (NM_001410908.1, NM_018682.4); short protein forms P838L.
Identifiers: ClinVar variation 2776272 (VCV002776272.5), dbSNP rs2536504083, ClinGen allele CA368786635.

ClinVar aggregate classification (germline): Uncertain significance. Review status: criteria provided, multiple submitters, no conflicts (2 of 4 stars). 2 submissions from 2 submitters: Uncertain significance (2). Last evaluated 2025-09-16.

Submissions (2):

Dasa
Classification: Uncertain significance. Last evaluated: 2025-09-16. Review status: criteria provided, single submitter. Criteria: DASA Assertion Criteria. Collection method: clinical testing. Allele origin: germline.
Comment: NM_182931.3(KMT2E):c.2513C>T (p.Pro838Leu) is a missense variant that results in the substitution of proline with leucine. This variant is absent from population databases. The currently available literature and clinical evidence are not sufficient to establish a definitive association between this variant and the reported condition. Therefore, this variant is classified as a variant of uncertain significance.

Labcorp Genetics (formerly Invitae), Labcorp
Classification: Uncertain significance. Last evaluated: 2023-04-11. Review status: criteria provided, single submitter. Criteria: Invitae Variant Classification Sherloc (09022015). Collection method: clinical testing. Allele origin: germline.
Comment: This sequence change replaces proline, which is neutral and non-polar, with leucine, which is neutral and non-polar, at codon 838 of the KMT2E protein (p.Pro838Leu). This variant is not present in population databases (gnomAD no frequency). In summary, the available evidence is currently insufficient to determine the role of this variant in disease. Therefore, it has been classified as a Variant of Uncertain Significance. Advanced modeling of protein sequence and biophysical properties (such as structural, functional, and spatial information, amino acid conservation, physicochemical variation, residue mobility, and thermodynamic stability) performed at Invitae indicates that this missense variant is not expected to disrupt KMT2E protein function. This variant has not been reported in the literature in individuals affected with KMT2E-related conditions.